The following is an entry in ClinVar:

ClinVar aggregate classification (germline): Uncertain significance (1 of 4 stars; one submission).

Conditions:
Tuberous sclerosis 2 (TSC2). Identifiers: Orphanet 805, MedGen C1860707, MONDO:0013199, OMIM 613254.

Allele frequency attached by ClinVar (database versions not stated): TOPMed below 0.00001.

Submission:

Labcorp Genetics (formerly Invitae), Labcorp
Classification: Uncertain significance for Tuberous sclerosis 2. Last evaluated: 2022-07-18. Review status: criteria provided, single submitter. Criteria: Invitae Variant Classification Sherloc (09022015). Collection method: clinical testing. Allele origin: germline.
Comment: In summary, the available evidence is currently insufficient to determine the role of this variant in disease. Therefore, it has been classified as a Variant of Uncertain Significance. Algorithms developed to predict the effect of missense changes on protein structure and function are either unavailable or do not agree on the potential impact of this missense change (SIFT: "Deleterious"; PolyPhen-2: "Probably Damaging"; Align-GVGD: "Class C0"). This variant has not been reported in the literature in individuals affected with TSC2-related conditions. This variant is not present in population databases (gnomAD no frequency). This sequence change replaces glycine, which is neutral and non-polar, with valine, which is neutral and non-polar, at codon 915 of the TSC2 protein (p.Gly915Val).

NM_000548.5(TSC2):c.2744G>T (p.Gly915Val)

Gene: TSC2 (TSC complex subunit 2; plus strand). Cytogenetic location: 16p13.3.
Variant type: single nucleotide variant.
Coding change: c.2744G>T on transcript NM_000548.5 (MANE Select); coding-DNA position 2744, G replaced by T.
Protein change: p.Gly915Val; replaces glycine 915 with valine.
Molecular consequence: missense variant.
Genome position (GRCh38, 1-based): chr16:2,076,492, G>T. VCF-style: chr16-2076492-G-T. GRCh37 (hg19) VCF-style: chr16-2126493-G-T.
Other names: c.2144G>T, p.Gly715Val (NM_001406686.1, NM_001406687.1, NM_001318831.2 and 6 more transcripts); c.2744G>T, p.Gly915Val (NM_001077183.3, NM_001114382.3, NM_001363528.2 and 6 more transcripts); c.2633G>T, p.Gly878Val (NM_001318827.2, NM_001406670.1, NM_001406678.1); c.2597G>T, p.Gly866Val (NM_001318829.2, NM_001406675.1, NM_001406676.1 and 1 more transcripts); c.2777G>T, p.Gly926Val (NM_001318832.2); c.2834G>T, p.Gly945Val (NM_001406667.1, NM_001406668.1); c.2732G>T, p.Gly911Val (NM_001406671.1, NM_001406673.1); c.2687G>T, p.Gly896Val (NM_001406677.1); and 3 more; short protein forms G381V, G467V, G715V, G761V, G866V, G878V, G896V, G911V.
Identifiers: ClinVar variation 1718263 (VCV001718263.5), dbSNP rs2089400486, ClinGen allele CA394279769.
Genomic context (GRCh38, chr16:2,076,492, plus strand): 5'-GTGAGGGCCTCCAGCCCCCATTGCCACCCCTCACTGTCTGGGTGTGCTCACTCTGCCAGG[G>T]CCTGCGGTCCAATGTCCTCTTGTCTTTTGATGACACCCCCGAGAAGGACAGCTTCAGGGC-3'
Protein context (NP_000539.2, residues 905-925): RKDFVPFITK[Gly915Val]LRSNVLLSFD